The following is an entry in ClinVar:

ClinVar aggregate classification (germline): Uncertain significance (1 of 4 stars; one submission).

Conditions:
Neurofibromatosis, type 2 (SWNV). Also called: BILATERAL ACOUSTIC NEUROFIBROMATOSIS; NF2-Related Schwannomatosis; SCHWANNOMATOSIS, VESTIBULAR. Identifiers: Orphanet 637, MedGen C0027832, MONDO:0007039, OMIM 101000. Disease mechanism: loss of function.

Submission:

Labcorp Genetics (formerly Invitae), Labcorp
Classification: Uncertain significance for Neurofibromatosis, type 2. Last evaluated: 2023-11-05. Review status: criteria provided, single submitter. Criteria: Invitae Variant Classification Sherloc (09022015). Collection method: clinical testing. Allele origin: germline.
Comment: This sequence change replaces cysteine, which is neutral and slightly polar, with tyrosine, which is neutral and polar, at codon 37 of the NF2 protein (p.Cys37Tyr). This variant is not present in population databases (gnomAD no frequency). This variant has not been reported in the literature in individuals affected with NF2-related conditions. Advanced modeling of protein sequence and biophysical properties (such as structural, functional, and spatial information, amino acid conservation, physicochemical variation, residue mobility, and thermodynamic stability) performed at Invitae indicates that this missense variant is not expected to disrupt NF2 protein function with a negative predictive value of 80%. In summary, the available evidence is currently insufficient to determine the role of this variant in disease. Therefore, it has been classified as a Variant of Uncertain Significance.

NM_000268.4(NF2):c.110G>A (p.Cys37Tyr)

Gene: NF2 (NF2, moesin-ezrin-radixin like (MERLIN) tumor suppressor; plus strand). Cytogenetic location: 22q12.2.
Variant type: single nucleotide variant.
Coding change: c.110G>A on transcript NM_000268.4 (MANE Select); coding-DNA position 110, G replaced by A.
Protein change: p.Cys37Tyr; replaces cysteine 37 with tyrosine.
Molecular consequence: missense variant. On other transcripts: 5 prime UTR variant (4), non-coding transcript variant (1).
Genome position (GRCh38, 1-based): chr22:29,604,108, G>A. VCF-style: chr22-29604108-G-A. GRCh37 (hg19) VCF-style: chr22-30000097-G-A.
Other names: c.-121G>A (NM_001407053.1, NM_001407056.1); c.110G>A, p.Cys37Tyr (NM_001407054.1, NM_001407055.1, NM_001407057.1 and 15 more transcripts); c.-531G>A (NM_001407065.1); c.-147G>A (NM_001407067.1); short protein forms C37Y.
Identifiers: ClinVar variation 2796236 (VCV002796236.3), dbSNP rs2518228193, ClinGen allele CA411146317.